The following is an entry in ClinVar:

ClinVar aggregate classification (germline): Likely benign (0 of 4 stars; one submission).

Conditions:
ZFP36L2-related disorder. Also called: ZFP36L2-related condition.

Allele frequency attached by ClinVar (database versions not stated): 1000 Genomes Project 30x 0.00109; 1000 Genomes Project 0.00140; TOPMed 0.00197; gnomAD 0.00238; ESP Exome Variant Server 0.00313; ExAC 0.00606.
gnomAD v4.1: 4,886 of 1,585,756 alleles (0.31%); highest among the groups gnomAD compares: Non-Finnish European, 0.37%; 12 homozygotes.

Submission:

PreventionGenetics, part of Exact Sciences
Classification: Likely benign for ZFP36L2-related condition. Last evaluated: 2019-03-21. Review status: no assertion criteria provided. Collection method: clinical testing. Allele origin: germline.
Comment: This variant is classified as likely benign based on ACMG/AMP sequence variant interpretation guidelines (Richards et al. 2015 PMID: 25741868, with internal and published modifications).

NM_006887.5(ZFP36L2):c.279C>T (p.Gly93=)

Gene: ZFP36L2 (ZFP36 ring finger protein like 2; minus strand). Cytogenetic location: 2p21.
Variant type: single nucleotide variant.
Coding change: c.279C>T on transcript NM_006887.5 (MANE Select); coding-DNA position 279, C replaced by T.
Protein change: p.Gly93=; no amino-acid change (glycine 93 retained).
Molecular consequence: synonymous variant.
Genome position (GRCh38, 1-based): chr2:43,225,525, G>A on the plus strand (C>T on the coding strand, the complement: ZFP36L2 is on the minus strand). VCF-style: chr2-43225525-G-A. GRCh37 (hg19) VCF-style: chr2-43452664-G-A.
Identifiers: ClinVar variation 3050189 (VCV003050189.2), dbSNP rs369626026, ClinGen allele CA1631630.